The following is an entry in ClinVar:

NM_001206927.2(DNAH8):c.68C>A (p.Ala23Asp)

Genes: DNAH8 (dynein axonemal heavy chain 8; plus strand), LOC126859667 (BRD4-independent group 4 enhancer GRCh37_chr6:38690326-38691525; plus strand). Cytogenetic location: 6p21.2.
Variant type: single nucleotide variant.
Coding change: c.68C>A on transcript NM_001206927.2 (MANE Select); coding-DNA position 68, C replaced by A.
Protein change: p.Ala23Asp; replaces alanine 23 with aspartic acid.
Molecular consequence: missense variant. On other transcripts: 5 prime UTR variant (1).
Genome position (GRCh38, 1-based): chr6:38,722,877, C>A. VCF-style: chr6-38722877-C-A. GRCh37 (hg19) VCF-style: chr6-38690653-C-A.
Other names: c.-499C>A (NM_001371.4); short protein forms A23D.
Identifiers: ClinVar variation 1449641 (VCV001449641.6), dbSNP rs1471622411, ClinGen allele CA363984372.

ClinVar aggregate classification (germline): Uncertain significance (1 of 4 stars; one submission).

Conditions:
Primary ciliary dyskinesia. Also called: Ciliary dyskinesia. Identifiers: Orphanet 244, MedGen C0008780, MONDO:0016575, HP:0012265.

Submission:

Labcorp Genetics (formerly Invitae), Labcorp
Classification: Uncertain significance for Primary ciliary dyskinesia. Last evaluated: 2021-06-04. Review status: criteria provided, single submitter. Criteria: Invitae Variant Classification Sherloc (09022015). Collection method: clinical testing. Allele origin: germline.
Comment: This sequence change replaces alanine with aspartic acid at codon 23 of the DNAH8 protein (p.Ala23Asp). The alanine residue is weakly conserved and there is a moderate physicochemical difference between alanine and aspartic acid. In summary, the available evidence is currently insufficient to determine the role of this variant in disease. Therefore, it has been classified as a Variant of Uncertain Significance. This variant is not present in population databases (ExAC no frequency). This variant has not been reported in the literature in individuals with DNAH8-related conditions. Algorithms developed to predict the effect of missense changes on protein structure and function are either unavailable or do not agree on the potential impact of this missense change (SIFT: "Tolerated"; PolyPhen-2: "Not Available"; Align-GVGD: "Class C0").